The following is an entry in ClinVar:

ClinVar aggregate classification (germline): Uncertain significance (1 of 4 stars; one submission).

Conditions:
Landau-Kleffner syndrome (FESD). Also called: APHASIA, ACQUIRED, WITH EPILEPSY; EPILEPSY, FOCAL, WITH SPEECH DISORDER AND WITH OR WITHOUT MENTAL RETARDATION. Identifiers: Orphanet 1945, Orphanet 725, Orphanet 98818, MedGen C0282512, MONDO:0009509, OMIM 245570.

Allele frequency attached by ClinVar (database versions not stated): gnomAD 0.00001.
gnomAD v4.1: 1 of 1,613,860 alleles (0.000062%); highest among the groups gnomAD compares: Non-Finnish European, 0.000085%; no homozygotes.

Submission:

Labcorp Genetics (formerly Invitae), Labcorp
Classification: Uncertain significance for Landau-Kleffner syndrome. Last evaluated: 2020-10-11. Review status: criteria provided, single submitter. Criteria: Invitae Variant Classification Sherloc (09022015). Collection method: clinical testing. Allele origin: germline.
Comment: This sequence change replaces isoleucine with threonine at codon 408 of the GRIN2A protein (p.Ile408Thr). The isoleucine residue is highly conserved and there is a moderate physicochemical difference between isoleucine and threonine. This variant is not present in population databases (ExAC no frequency). This variant has not been reported in the literature in individuals with GRIN2A-related conditions. Advanced modeling of protein sequence and biophysical properties (such as structural, functional, and spatial information, amino acid conservation, physicochemical variation, residue mobility, and thermodynamic stability) performed at Invitae indicates that this missense variant is expected to disrupt GRIN2A protein function. In summary, the available evidence is currently insufficient to determine the role of this variant in disease. Therefore, it has been classified as a Variant of Uncertain Significance.

NM_001134407.3(GRIN2A):c.1223T>C (p.Ile408Thr)

Gene: GRIN2A (glutamate ionotropic receptor NMDA type subunit 2A; minus strand). Cytogenetic location: 16p13.2.
Variant type: single nucleotide variant.
Coding change: c.1223T>C on transcript NM_001134407.3 (MANE Select); coding-DNA position 1223, T replaced by C.
Protein change: p.Ile408Thr; replaces isoleucine 408 with threonine.
Molecular consequence: missense variant.
Genome position (GRCh38, 1-based): chr16:9,849,861, A>G on the plus strand (T>C on the coding strand, the complement: GRIN2A is on the minus strand). VCF-style: chr16-9849861-A-G. GRCh37 (hg19) VCF-style: chr16-9943718-A-G.
Other names: c.1223T>C, p.Ile408Thr (NM_000833.5, NM_001134408.2); short protein forms I408T.
Identifiers: ClinVar variation 1053435 (VCV001053435.5), dbSNP rs1431001691, ClinGen allele CA394801135.
Genomic context (GRCh38, chr16:9,849,861, plus strand): 5'-GTCTCGGTCAGGGGGTCTATGTCTTCCACGATGACGAATGGGGCCTCCTCCAGGGTGACG[A>G]TGCTGAGATGGTTGTCATCCGGCTCACAGTCGGAGAAGGACTTGTACCTGGGCCACACGG-3'
Protein context (NP_001127879.1, residues 398-418): DCEPDDNHLS[Ile408Thr]VTLEEAPFVI